The following is an entry in ClinVar:

NM_000142.5(FGFR3):c.1320C>T (p.Ile440=)

Gene: FGFR3 (fibroblast growth factor receptor 3; plus strand). Cytogenetic location: 4p16.3.
Variant type: single nucleotide variant.
Coding change: c.1320C>T on transcript NM_000142.5 (MANE Select); coding-DNA position 1320, C replaced by T.
Protein change: p.Ile440=; no amino-acid change (isoleucine 440 retained).
Molecular consequence: synonymous variant. On other transcripts: non-coding transcript variant (1).
Genome position (GRCh38, 1-based): chr4:1,804,877, C>T. VCF-style: chr4-1804877-C-T. GRCh37 (hg19) VCF-style: chr4-1806604-C-T.
Other names: c.1326C>T, p.Ile442= (NM_001163213.2); c.1323C>T, p.Ile441= (NM_001354809.2, NM_001354810.2); c.984C>T, p.Ile328= (NM_022965.4).
Identifiers: ClinVar variation 705473 (VCV000705473.13), dbSNP rs190111780, ClinGen allele CA2810367.

ClinVar aggregate classification (germline): Likely benign. Review status: criteria provided, multiple submitters, no conflicts (2 of 4 stars). 4 submissions from 4 submitters: Likely benign (3). 1 of the submissions does not count toward it. Last evaluated 2025-12-24.

Conditions:
FGFR3-related disorder. Also called: FGFR3-related disorders.

Allele frequency attached by ClinVar (database versions not stated): gnomAD exomes 0.00004 and 0.00010; ExAC 0.00010; gnomAD 0.00013; 1000 Genomes Project 30x 0.00016; 1000 Genomes Project 0.00020; TOPMed 0.00021.
gnomAD v4.1: 75 of 1,550,198 alleles (0.0048%); highest among the groups gnomAD compares: African/African-American, 0.03%; no homozygotes.

Submissions (4):

Labcorp Genetics (formerly Invitae), Labcorp
Classification: Likely benign. Last evaluated: 2025-12-24. Review status: criteria provided, single submitter. Criteria: Invitae Variant Classification Sherloc (09022015). Collection method: clinical testing. Allele origin: germline.

GeneDx
Classification: Likely benign. Last evaluated: 2021-03-25. Review status: criteria provided, single submitter. Criteria: GeneDx Variant Classification Process June 2021. Collection method: clinical testing. Allele origin: germline. Affected: yes.

Blueprint Genetics
Classification: Likely benign. Last evaluated: 2020-06-10. Review status: criteria provided, single submitter. Criteria: ACMG Guidelines, 2015. Collection method: clinical testing. Allele origin: germline.

PreventionGenetics, part of Exact Sciences
Classification: Likely benign for FGFR3-related condition. Last evaluated: 2019-11-11. Review status: no assertion criteria provided. Collection method: clinical testing. Allele origin: germline. Not counted in ClinVar's aggregate classification.
Comment: This variant is classified as likely benign based on ACMG/AMP sequence variant interpretation guidelines (Richards et al. 2015 PMID: 25741868, with internal and published modifications).